The following is an entry in ClinVar:

ClinVar aggregate classification (germline): Uncertain significance (1 of 4 stars; one submission).

Conditions:
Thrombocytopenia 1. Also called: THROMBOCYTOPENIA, X-LINKED, 1; X-Linked Thrombocytopenia (XLT); X-linked thrombocytopenia with normal platelets. Identifiers: Orphanet 268322, Orphanet 852, MedGen C1839163, MONDO:0010743, OMIM 313900.
Wiskott-Aldrich syndrome (WAS). Also called: ALDRICH SYNDROME; IMMUNODEFICIENCY 2; WISKOTT-ALDRICH SYNDROME 1; Wiskott-aldrich syndrome, somatic. Identifiers: Orphanet 906, MedGen C0043194, MONDO:0010518, OMIM 301000.
X-linked severe congenital neutropenia (SCNX). Identifiers: Orphanet 86788, MedGen C1845987, MONDO:0010294, OMIM 300299.

Submission:

Labcorp Genetics (formerly Invitae), Labcorp
Classification: Uncertain significance for Wiskott-Aldrich syndrome; X-linked severe congenital neutropenia; Thrombocytopenia 1. Last evaluated: 2024-12-08. Review status: criteria provided, single submitter. Criteria: Invitae Variant Classification Sherloc (09022015). Collection method: clinical testing. Allele origin: germline.
Comment: This sequence change replaces glutamine, which is neutral and polar, with lysine, which is basic and polar, at codon 146 of the WAS protein (p.Gln146Lys). This variant is not present in population databases (gnomAD no frequency). This variant has not been reported in the literature in individuals affected with WAS-related conditions. Invitae Evidence Modeling of protein sequence and biophysical properties (such as structural, functional, and spatial information, amino acid conservation, physicochemical variation, residue mobility, and thermodynamic stability) indicates that this missense variant is not expected to disrupt WAS protein function with a negative predictive value of 80%. In summary, the available evidence is currently insufficient to determine the role of this variant in disease. Therefore, it has been classified as a Variant of Uncertain Significance.

NM_000377.3(WAS):c.436C>A (p.Gln146Lys)

Gene: WAS (WASP actin nucleation promoting factor; plus strand). Cytogenetic location: Xp11.23.
Variant type: single nucleotide variant.
Coding change: c.436C>A on transcript NM_000377.3 (MANE Select); coding-DNA position 436, C replaced by A.
Protein change: p.Gln146Lys; replaces glutamine 146 with lysine.
Molecular consequence: missense variant.
Genome position (GRCh38, 1-based): chrX:48,685,809, C>A. VCF-style: chrX-48685809-C-A. GRCh37 (hg19) VCF-style: chrX-48544198-C-A.
Other names: short protein forms Q146K.
Identifiers: ClinVar variation 3757984 (VCV003757984.2).
Genomic context (GRCh38, chrX:48,685,809, plus strand): 5'-CTGAACTTTGCAGACGAGGACGAGGCCCAGGCCTTCCGGGCCCTCGTGCAGGAGAAGATA[C>A]AAAAAAGGAATCAGAGGCAAAGTGGAGGTGAGGAGGCCACAGGGGAGGAAAGGAAGTTGG-3'
Protein context (NP_000368.1, residues 136-156): AFRALVQEKI[Gln146Lys]KRNQRQSGDR